The following is an entry in ClinVar:

ClinVar aggregate classification (germline): Uncertain significance. Review status: criteria provided, single submitter (1 of 4 stars). 2 submissions from 2 submitters: Uncertain significance (1). 1 of the submissions does not count toward it. Last evaluated 2025-09-22.

Conditions:
OPA1-related disorder. Also called: OPA1-related condition; OPA1-related disorders.

Allele frequency attached by ClinVar (database versions not stated): gnomAD exomes below 0.00001; TOPMed 0.00001; gnomAD 0.00002.
gnomAD v4.1: 6 of 1,613,084 alleles (0.00037%); highest among the groups gnomAD compares: African/African-American, 0.0013%; no homozygotes.

Submissions (2):

Labcorp Genetics (formerly Invitae), Labcorp
Classification: Uncertain significance. Last evaluated: 2025-09-22. Review status: criteria provided, single submitter. Criteria: Invitae Variant Classification Sherloc (09022015). Collection method: clinical testing. Allele origin: germline.
Comment: This sequence change falls in intron 14 of the OPA1 gene. It does not directly change the encoded amino acid sequence of the OPA1 protein. It affects a nucleotide within the consensus splice site. This variant is present in population databases (no rsID available, gnomAD 0.007%). This variant has not been reported in the literature in individuals affected with OPA1-related conditions. ClinVar contains an entry for this variant (Variation ID: 3030430). Variants that disrupt the consensus splice site are a relatively common cause of aberrant splicing (PMID: 17576681, 9536098). Algorithms developed to predict the effect of sequence changes on RNA splicing suggest that this variant is not likely to affect RNA splicing. In summary, the available evidence is currently insufficient to determine the role of this variant in disease. Therefore, it has been classified as a Variant of Uncertain Significance.

PreventionGenetics, part of Exact Sciences
Classification: Likely benign for OPA1-related condition. Last evaluated: 2020-12-08. Review status: no assertion criteria provided. Collection method: clinical testing. Allele origin: germline. Not counted in ClinVar's aggregate classification.
Comment: This variant is classified as likely benign based on ACMG/AMP sequence variant interpretation guidelines (Richards et al. 2015 PMID: 25741868, with internal and published modifications).

Literature cited by the submitters: PubMed 17576681 (cited by Labcorp Genetics (formerly Invitae), Labcorp); PubMed 9536098 (cited by Labcorp Genetics (formerly Invitae), Labcorp).

NM_130837.3(OPA1):c.1608+6G>A

Gene: OPA1 (OPA1 mitochondrial dynamin like GTPase; plus strand). Cytogenetic location: 3q29.
Variant type: single nucleotide variant.
Coding change: c.1608+6G>A on transcript NM_130837.3 (MANE Select); 6 bases into the intron after coding-DNA position 1608, G replaced by A.
Molecular consequence: intron variant.
Genome position (GRCh38, 1-based): chr3:193,644,111, G>A. VCF-style: chr3-193644111-G-A. GRCh37 (hg19) VCF-style: chr3-193361900-G-A.
Other names: c.1071+6G>A (NM_001354664.2); c.1074+6G>A (NM_001354663.2); c.1497+6G>A (NM_130834.3); c.1554+6G>A (NM_130836.3); c.1443+6G>A (NM_015560.3); c.1500+6G>A (NM_130835.3); c.1389+6G>A (NM_130832.3); c.1446+6G>A (NM_130833.3); and 1 more.
Identifiers: ClinVar variation 3030430 (VCV003030430.4), dbSNP rs1332999873, ClinGen allele CA548822337.
Genomic context (GRCh38, chr3:193,644,111, plus strand): 5'-ATTCGTTTTGACCAAAGTAGACCTGGCAGAGAAAAATGTAGCCAGTCCAAGCAGGGTGAG[G>A]TCAAATTCTTTGTTGCGAGAATAGATTCTTTGTAAAAGCTCCAGCTGTGATAGGGATTTG-3'